The following is an entry in ClinVar:

ClinVar aggregate classification (germline): Conflicting classifications of pathogenicity. Review status: criteria provided, conflicting classifications (1 of 4 stars). 6 submissions from 6 submitters: Uncertain significance (4); Likely benign (2). Last evaluated 2025-01-27.

Conditions:
Neurodevelopmental disorder with brain anomalies and with or without vertebral or cardiac anomalies. Identifiers: MedGen C5231481, MONDO:0032888, OMIM 618731.
46,XY sex reversal 11. Also called: ANORCHIA, FAMILIAL; TESTICULAR REGRESSION, EMBRYONIC; Testicular regression syndrome; Vanishing testis. Identifiers: Orphanet 983, MedGen C0266427, MONDO:8000015, OMIM 273250, HP:0012870.

Allele frequency attached by ClinVar (database versions not stated): gnomAD exomes 0.00012; ExAC 0.00014; ESP Exome Variant Server 0.00038; gnomAD 0.00039 and 0.00046; TOPMed 0.00040; 1000 Genomes Project 30x 0.00062; 1000 Genomes Project 0.00080.
gnomAD v4.1: 199 of 1,614,116 alleles (0.012%); highest among the groups gnomAD compares: African/African-American, 0.17%; 1 homozygote.

Submissions (6):

Labcorp Genetics (formerly Invitae), Labcorp
Classification: Uncertain significance. Last evaluated: 2025-01-27. Review status: criteria provided, single submitter. Criteria: Invitae Variant Classification Sherloc (09022015). Collection method: clinical testing. Allele origin: germline.
Comment: This sequence change replaces valine, which is neutral and non-polar, with isoleucine, which is neutral and non-polar, at codon 329 of the DHX37 protein (p.Val329Ile). This variant is present in population databases (rs112262509, gnomAD 0.1%). This variant has not been reported in the literature in individuals affected with DHX37-related conditions. ClinVar contains an entry for this variant (Variation ID: 1030049). Invitae Evidence Modeling of protein sequence and biophysical properties (such as structural, functional, and spatial information, amino acid conservation, physicochemical variation, residue mobility, and thermodynamic stability) indicates that this missense variant is not expected to disrupt DHX37 protein function with a negative predictive value of 80%. In summary, the available evidence is currently insufficient to determine the role of this variant in disease. Therefore, it has been classified as a Variant of Uncertain Significance.

Genomic Medicine Center of Excellence, King Faisal Specialist Hospital and Research Centre
Classification: Likely benign for 46,XY sex reversal 11. Last evaluated: 2024-03-25. Review status: criteria provided, single submitter. Criteria: ACMG Guidelines, 2015. Collection method: clinical testing. Allele origin: germline.

Blueprint Genetics
Classification: Likely benign. Last evaluated: 2024-01-04. Review status: criteria provided, single submitter. Criteria: ACMG Guidelines, 2015. Collection method: clinical testing. Allele origin: germline.

GeneDx
Classification: Uncertain significance. Last evaluated: 2022-07-27. Review status: criteria provided, single submitter. Criteria: GeneDx Variant Classification Process June 2021. Collection method: clinical testing. Allele origin: germline. Affected: yes.
Comment: In silico analysis supports that this missense variant does not alter protein structure/function; Has not been previously published as pathogenic or benign to our knowledge

Baylor Genetics
Classification: Uncertain significance for Neurodevelopmental disorder with brain anomalies and with or without vertebral or cardiac anomalies. Last evaluated: 2020-06-10. Review status: criteria provided, single submitter. Criteria: ACMG Guidelines, 2015. Collection method: clinical testing. Allele origin: unknown. Affected: yes.
Comment: This variant was determined to be of uncertain significance according to ACMG Guidelines, 2015 [PMID:25741868].

Breakthrough Genomics
Classification: Uncertain significance. Review status: criteria provided, single submitter. Criteria: ACMG Guidelines, 2015. Collection method: not provided. Allele origin: germline. Inheritance: Autosomal recessive inheritance. Affected: yes.

NM_032656.4(DHX37):c.985G>A (p.Val329Ile)

Gene: DHX37 (DEAH-box helicase 37; minus strand). Cytogenetic location: 12q24.31.
Variant type: single nucleotide variant.
Coding change: c.985G>A on transcript NM_032656.4 (MANE Select); coding-DNA position 985, G replaced by A.
Protein change: p.Val329Ile; replaces valine 329 with isoleucine.
Molecular consequence: missense variant.
Genome position (GRCh38, 1-based): chr12:124,972,595, C>T on the plus strand (G>A on the coding strand, the complement: DHX37 is on the minus strand). VCF-style: chr12-124972595-C-T. GRCh37 (hg19) VCF-style: chr12-125457141-C-T.
Other names: short protein forms V329I.
Identifiers: ClinVar variation 1030049 (VCV001030049.10), dbSNP rs112262509, ClinGen allele CA6872249.